The following is an entry in ClinVar:

ClinVar aggregate classification (germline): Uncertain significance (1 of 4 stars; one submission).

Submission:

Labcorp Genetics (formerly Invitae), Labcorp
Classification: Uncertain significance. Last evaluated: 2024-08-02. Review status: criteria provided, single submitter. Criteria: Invitae Variant Classification Sherloc (09022015). Collection method: clinical testing. Allele origin: germline.
Comment: This sequence change replaces valine, which is neutral and non-polar, with alanine, which is neutral and non-polar, at codon 216 of the COL9A2 protein (p.Val216Ala). This variant is not present in population databases (gnomAD no frequency). This variant has not been reported in the literature in individuals affected with COL9A2-related conditions. Advanced modeling of protein sequence and biophysical properties (such as structural, functional, and spatial information, amino acid conservation, physicochemical variation, residue mobility, and thermodynamic stability) performed at Invitae indicates that this missense variant is not expected to disrupt COL9A2 protein function with a negative predictive value of 95%. In summary, the available evidence is currently insufficient to determine the role of this variant in disease. Therefore, it has been classified as a Variant of Uncertain Significance.

NM_001852.4(COL9A2):c.647T>C (p.Val216Ala)

Gene: COL9A2 (collagen type IX alpha 2 chain; minus strand). Cytogenetic location: 1p34.2.
Variant type: single nucleotide variant.
Coding change: c.647T>C on transcript NM_001852.4 (MANE Select); coding-DNA position 647, T replaced by C.
Protein change: p.Val216Ala; replaces valine 216 with alanine.
Molecular consequence: missense variant.
Genome position (GRCh38, 1-based): chr1:40,310,751, A>G on the plus strand (T>C on the coding strand, the complement: COL9A2 is on the minus strand). VCF-style: chr1-40310751-A-G. GRCh37 (hg19) VCF-style: chr1-40776423-A-G.
Other names: short protein forms V216A.
Identifiers: ClinVar variation 3702330 (VCV003702330.2).